The following is an entry in ClinVar:

ClinVar aggregate classification (germline): Benign/Likely benign. Review status: criteria provided, multiple submitters, no conflicts (2 of 4 stars). 8 submissions from 8 submitters: Benign (4); Likely benign (3). 1 of the submissions does not count toward it. Last evaluated 2026-01-21.

Conditions:
Megalencephaly-polymicrogyria-postaxial polydactyly-hydrocephalus syndrome. Also called: MEG-PMG-MEGACC SYNDROME; MPPH Syndrome. Identifiers: Orphanet 83473, MedGen C1863924, MONDO:0019375.
PIK3R2-related disorder. Also called: PIK3R2-related condition.

Allele frequency attached by ClinVar (database versions not stated): gnomAD exomes 0.00037 and 0.00077; gnomAD 0.00054 and 0.00055; 1000 Genomes Project 0.00060; ExAC 0.00065; TOPMed 0.00066; ESP Exome Variant Server 0.00077; 1000 Genomes Project 30x 0.00078.
gnomAD v4.1: 650 of 1,613,712 alleles (0.04%); highest among the groups gnomAD compares: Admixed American, 0.22%; 3 homozygotes.

Submissions (9):

Labcorp Genetics (formerly Invitae), Labcorp
Classification: Likely benign for Megalencephaly-polymicrogyria-postaxial polydactyly-hydrocephalus syndrome. Last evaluated: 2026-01-21. Review status: criteria provided, single submitter. Criteria: Invitae Variant Classification Sherloc (09022015). Collection method: clinical testing. Allele origin: germline.

CeGaT Center for Human Genetics Tuebingen
Classification: Benign. Last evaluated: 2025-10-01. Review status: criteria provided, single submitter. Criteria: CeGaT Center For Human Genetics Tuebingen Variant Classification Criteria Version 2. Collection method: clinical testing. Allele origin: germline. Affected: yes. Observed: 2 variant alleles.
Comment: PIK3R2: BS1, BS2

Blueprint Genetics
Classification: Likely benign. Last evaluated: 2024-10-22. Review status: criteria provided, single submitter. Criteria: ACMG Guidelines, 2015. Collection method: clinical testing. Allele origin: germline.

GeneDx
Classification: Benign. Last evaluated: 2020-04-21. Review status: criteria provided, single submitter. Criteria: GeneDx Variant Classification Process June 2021. Collection method: clinical testing. Allele origin: germline. Affected: yes.

Genetic Services Laboratory, University of Chicago
Classification: Benign. Last evaluated: 2019-06-06. Review status: criteria provided, single submitter. Criteria: ACMG Guidelines, 2015. Collection method: clinical testing. Allele origin: germline. Affected: no.

Eurofins Ntd Llc (ga)
Classification: Benign. Last evaluated: 2018-04-25. Review status: criteria provided, single submitter. Criteria: EGL ClinVar v180209 classification definitions. Collection method: clinical testing. Allele origin: germline. Observed: 1 variant allele, 1 heterozygote.

Breakthrough Genomics
Classification: Likely benign. Review status: criteria provided, single submitter. Criteria: ACMG Guidelines, 2015. Collection method: not provided. Allele origin: germline. Inheritance: Autosomal dominant inheritance. Affected: yes.

PreventionGenetics, part of Exact Sciences
Classification: Benign for PIK3R2-related condition. Last evaluated: 2019-09-20. Review status: no assertion criteria provided. Collection method: clinical testing. Allele origin: germline. Not counted in ClinVar's aggregate classification.
Comment: This variant is classified as benign based on ACMG/AMP sequence variant interpretation guidelines (Richards et al. 2015 PMID: 25741868, with internal and published modifications).

Dr. Peter K. Rogan Lab, Western University
No classification provided (evidence only). Condition: Melanoma. Review status: no classification provided. Collection method: in vitro. Allele origin: not applicable. Functional consequence: retained intron. Not counted in ClinVar's aggregate classification.

NM_005027.4(PIK3R2):c.817A>T (p.Ser273Cys)

Gene: PIK3R2 (phosphoinositide-3-kinase regulatory subunit 2; plus strand). Cytogenetic location: 19p13.11.
Variant type: single nucleotide variant.
Coding change: c.817A>T on transcript NM_005027.4 (MANE Select); coding-DNA position 817, A replaced by T.
Protein change: p.Ser273Cys; replaces serine 273 with cysteine.
Molecular consequence: missense variant. On other transcripts: non-coding transcript variant (2).
Genome position (GRCh38, 1-based): chr19:18,161,967, A>T. VCF-style: chr19-18161967-A-T. GRCh37 (hg19) VCF-style: chr19-18272777-A-T.
Other names: c.817A>T, p.Ser273Cys (LRG_1392t1); short protein forms S273C.
Identifiers: ClinVar variation 596881 (VCV000596881.49), dbSNP rs147990742, ClinGen allele CA9306820.